The following is an entry in ClinVar:

NM_001036.6(RYR3):c.2883C>T (p.Asn961=)

Gene: RYR3 (ryanodine receptor 3; plus strand). Cytogenetic location: 15q14.
Variant type: single nucleotide variant.
Coding change: c.2883C>T on transcript NM_001036.6 (MANE Select); coding-DNA position 2883, C replaced by T.
Protein change: p.Asn961=; no amino-acid change (asparagine 961 retained).
Molecular consequence: synonymous variant.
Genome position (GRCh38, 1-based): chr15:33,632,964, C>T. VCF-style: chr15-33632964-C-T. GRCh37 (hg19) VCF-style: chr15-33925165-C-T.
Other names: c.2883C>T, p.Asn961= (NM_001243996.4).
Identifiers: ClinVar variation 2645138 (VCV002645138.24), dbSNP rs377535274, ClinGen allele CA7458574.

ClinVar aggregate classification (germline): Likely benign (1 of 4 stars; one submission).

Allele frequency attached by ClinVar (database versions not stated): gnomAD 0.00001; ESP Exome Variant Server 0.00008.
gnomAD v4.1: 35 of 1,612,668 alleles (0.0022%); highest among the groups gnomAD compares: South Asian, 0.0088%; no homozygotes.

Submission:

CeGaT Center for Human Genetics Tuebingen
Classification: Likely benign. Last evaluated: 2022-05-01. Review status: criteria provided, single submitter. Criteria: CeGaT Center For Human Genetics Tuebingen Variant Classification Criteria Version 2. Collection method: clinical testing. Allele origin: germline. Affected: yes. Observed: 1 variant allele.
Comment: RYR3: BP4, BP7